The following is an entry in ClinVar:

ClinVar aggregate classification (germline): Benign. Review status: criteria provided, multiple submitters, no conflicts (2 of 4 stars). 3 submissions from 2 submitters: Benign (3). Last evaluated 2018-01-13.

Conditions:
Ocular cystinosis. Also called: Non-Nephropathic (Ocular) Cystinosis; Non-Nephropathic Cystinosis. Identifiers: Orphanet 213, Orphanet 411641, MedGen C2931013, MONDO:0009064, OMIM 219750.
Nephropathic cystinosis (CTNS). Also called: CYSTINOSIN, DEFECT OF; LYSOSOMAL CYSTINE TRANSPORT PROTEIN, DEFECT OF; Abderhalden Lignac Kaufmann disease; Abderhalden-Kaufmann-Lignac syndrome. Identifiers: Orphanet 213, Orphanet 411629, MedGen C2931187, MONDO:0100151, OMIM 219800.

Allele frequency attached by ClinVar (database versions not stated): 1000 Genomes Project 30x 0.99453; gnomAD 0.99537 and 0.99557; TOPMed 0.99540; 1000 Genomes Project 0.99541; gnomAD exomes 0.99929.
gnomAD v4.1: 349,089 of 349,902 alleles (100%); highest among the groups gnomAD compares: Middle Eastern, 100%; 174,147 homozygotes.

Submissions (3):

Illumina Laboratory Services, Illumina
Classification: Benign for Ocular cystinosis. Last evaluated: 2018-01-13. Review status: criteria provided, single submitter. Criteria: ICSL Variant Classification Criteria 13 December 2019. Collection method: clinical testing. Allele origin: germline.
Comment: This variant was observed in the ICSL laboratory as part of a predisposition screen in an ostensibly healthy population. It had not been previously curated by ICSL or reported in the Human Gene Mutation Database (HGMD: prior to June 1st, 2018), and was therefore a candidate for classification through an automated scoring system. Utilizing variant allele frequency, disease prevalence and penetrance estimates, and inheritance mode, an automated score was calculated to assess if this variant is too frequent to cause the disease. Based on the score and internal cut-off values, a variant classified as benign is not then subjected to further curation. The score for this variant resulted in a classification of benign for this disease.

Illumina Laboratory Services, Illumina
Classification: Benign for Nephropathic cystinosis. Last evaluated: 2018-01-13. Review status: criteria provided, single submitter. Criteria: ICSL Variant Classification Criteria 13 December 2019. Collection method: clinical testing. Allele origin: germline.
Comment: the same text as in the submission from Illumina Laboratory Services, Illumina above.

Breakthrough Genomics
Classification: Benign. Review status: criteria provided, single submitter. Criteria: ACMG Guidelines, 2015. Collection method: not provided. Allele origin: germline. Inheritance: Autosomal recessive inheritance. Affected: yes.

NM_004937.3(CTNS):c.*738T>G

Gene: CTNS (cystinosin, lysosomal cystine transporter; plus strand). Cytogenetic location: 17p13.2.
Variant type: single nucleotide variant.
Coding change: c.*738T>G on transcript NM_004937.3 (MANE Select); 738 bases downstream of the stop codon, T replaced by G.
Molecular consequence: 3 prime UTR variant.
Genome position (GRCh38, 1-based): chr17:3,661,107, T>G. VCF-style: chr17-3661107-T-G. GRCh37 (hg19) VCF-style: chr17-3564401-T-G.
Other names: c.*373T>G (NM_001031681.3, NM_001374492.1); c.*738T>G (NM_001374493.1, NM_001374494.1, NM_001374495.1 and 1 more transcripts).
Identifiers: ClinVar variation 322865 (VCV000322865.6), dbSNP rs224562, ClinGen allele CA10649122.